The following is an entry in ClinVar:

ClinVar aggregate classification (germline): Pathogenic (1 of 4 stars; one submission).

Submission:

Labcorp Genetics (formerly Invitae), Labcorp
Classification: Pathogenic. Last evaluated: 2022-04-13. Review status: criteria provided, single submitter. Criteria: Invitae Variant Classification Sherloc (09022015). Collection method: clinical testing. Allele origin: germline.
Comment: For these reasons, this variant has been classified as Pathogenic. This variant has not been reported in the literature in individuals affected with EIF2AK4-related conditions. This variant is not present in population databases (gnomAD no frequency). This sequence change creates a premature translational stop signal (p.Phe145Serfs*2) in the EIF2AK4 gene. It is expected to result in an absent or disrupted protein product. Loss-of-function variants in EIF2AK4 are known to be pathogenic (PMID: 12215525, 24135949, 24292273, 24310610, 28972005, 29743074).

Literature cited by the submitters: PubMed 12215525; PubMed 24135949; PubMed 24292273; PubMed 24310610; PubMed 28972005; PubMed 29743074.

NM_001013703.4(EIF2AK4):c.434_435del (p.Phe145fs)

Gene: EIF2AK4 (eukaryotic translation initiation factor 2 alpha kinase 4; plus strand). Cytogenetic location: 15q15.1.
Variant type: Deletion.
Coding change: c.434_435del on transcript NM_001013703.4 (MANE Select); coding-DNA positions 434 to 435, 2 bases deleted (TT; older notation c.434_435delTT).
Protein change: p.Phe145fs; shifts the reading frame from phenylalanine 145.
Molecular consequence: frameshift variant.
Genome position (GRCh38, 1-based): chr15:39,949,189-39,949,190, TT deleted; deleting any 2 consecutive bases within chr15:39,949,187-39,949,190 gives the same sequence; the c. name uses the placement nearest the transcript's 3' end. VCF-style (leftmost placement, unchanged base first): chr15-39949186-CTT-C. GRCh37 (hg19) VCF-style: chr15-40241387-CTT-C.
Other names: short protein forms F145fs.
Identifiers: ClinVar variation 2107943 (VCV002107943.4), dbSNP rs2504531661, ClinGen allele CA2580089324.